The following is an entry in ClinVar:

NM_000426.4(LAMA2):c.1207-10T>A

Gene: LAMA2 (laminin subunit alpha 2; plus strand). Cytogenetic location: 6q22.33.
Variant type: single nucleotide variant.
Coding change: c.1207-10T>A on transcript NM_000426.4 (MANE Select); 10 bases into the intron before coding-DNA position 1207, T replaced by A.
Molecular consequence: intron variant.
Genome position (GRCh38, 1-based): chr6:129,165,566, T>A. VCF-style: chr6-129165566-T-A. GRCh37 (hg19) VCF-style: chr6-129486711-T-A.
Other names: c.1207-10T>A (NM_001079823.2).
Identifiers: ClinVar variation 703350 (VCV000703350.15), dbSNP rs779863501, ClinGen allele CA3992555.

ClinVar aggregate classification (germline): Likely benign. Review status: criteria provided, single submitter (1 of 4 stars). 2 submissions from 2 submitters: Likely benign (1). 1 of the submissions does not count toward it. Last evaluated 2026-01-14.

Conditions:
LAMA2-related disorder. Also called: LAMA2-related condition; LAMA2-related disorders.
LAMA2-related muscular dystrophy (LAMA2-RD). Also called: Laminin alpha 2-related dystrophy. Identifiers: MedGen C5679788, MONDO:0100228.

Allele frequency attached by ClinVar (database versions not stated): gnomAD 0.00003; TOPMed 0.00005.
gnomAD v4.1: 139 of 1,579,060 alleles (0.0088%); highest among the groups gnomAD compares: Middle Eastern, 0.033%; 2 homozygotes.

Submissions (2):

Labcorp Genetics (formerly Invitae), Labcorp
Classification: Likely benign for LAMA2-related muscular dystrophy. Last evaluated: 2026-01-14. Review status: criteria provided, single submitter. Criteria: Invitae Variant Classification Sherloc (09022015). Collection method: clinical testing. Allele origin: germline.

PreventionGenetics, part of Exact Sciences
Classification: Likely benign for LAMA2-related condition. Last evaluated: 2024-07-16. Review status: no assertion criteria provided. Collection method: clinical testing. Allele origin: germline. Not counted in ClinVar's aggregate classification.
Comment: This variant is classified as likely benign based on ACMG/AMP sequence variant interpretation guidelines (Richards et al. 2015 PMID: 25741868, with internal and published modifications).